The following is an entry in ClinVar:

ClinVar aggregate classification (germline): Uncertain significance (1 of 4 stars; one submission).

Conditions:
RASopathy. Also called: rasopathies; Noonan spectrum disorder. Identifiers: Orphanet 536391, MedGen C5555857, MONDO:0021060.

Submission:

Labcorp Genetics (formerly Invitae), Labcorp
Classification: Uncertain significance for RASopathy. Last evaluated: 2024-10-15. Review status: criteria provided, single submitter. Criteria: Invitae Variant Classification Sherloc (09022015). Collection method: clinical testing. Allele origin: germline.
Comment: This sequence change replaces valine, which is neutral and non-polar, with glycine, which is neutral and non-polar, at codon 117 of the CBL protein (p.Val117Gly). This variant is not present in population databases (gnomAD no frequency). This variant has not been reported in the literature in individuals affected with CBL-related conditions. Invitae Evidence Modeling of protein sequence and biophysical properties (such as structural, functional, and spatial information, amino acid conservation, physicochemical variation, residue mobility, and thermodynamic stability) has been performed for this missense variant. However, the output from this modeling did not meet the statistical confidence thresholds required to predict the impact of this variant on CBL protein function. In summary, the available evidence is currently insufficient to determine the role of this variant in disease. Therefore, it has been classified as a Variant of Uncertain Significance.

NM_005188.4(CBL):c.350T>G (p.Val117Gly)

Gene: CBL (Cbl proto-oncogene; plus strand). Cytogenetic location: 11q23.3.
Variant type: single nucleotide variant.
Coding change: c.350T>G on transcript NM_005188.4 (MANE Select); coding-DNA position 350, T replaced by G.
Protein change: p.Val117Gly; replaces valine 117 with glycine.
Molecular consequence: missense variant.
Genome position (GRCh38, 1-based): chr11:119,232,602, T>G. VCF-style: chr11-119232602-T-G. GRCh37 (hg19) VCF-style: chr11-119103312-T-G.
Other names: short protein forms V117G.
Identifiers: ClinVar variation 3634375 (VCV003634375.2).